The following is an entry in ClinVar:

NM_006231.4(POLE):c.5161T>C (p.Cys1721Arg)

Gene: POLE (DNA polymerase epsilon, catalytic subunit; minus strand). Cytogenetic location: 12q24.33.
Variant type: single nucleotide variant.
Coding change: c.5161T>C on transcript NM_006231.4 (MANE Select); coding-DNA position 5161, T replaced by C.
Protein change: p.Cys1721Arg; replaces cysteine 1721 with arginine.
Molecular consequence: missense variant.
Genome position (GRCh38, 1-based): chr12:132,642,189, A>G on the plus strand (T>C on the coding strand, the complement: POLE is on the minus strand). VCF-style: chr12-132642189-A-G. GRCh37 (hg19) VCF-style: chr12-133218775-A-G.
Other names: short protein forms C1721R.
Identifiers: ClinVar variation 5027127 (VCV005027127.1).

ClinVar aggregate classification (germline): Uncertain significance (1 of 4 stars; one submission).

Conditions:
Hereditary cancer-predisposing syndrome. Also called: Neoplastic Syndromes, Hereditary; Tumor predisposition; Hereditary neoplastic syndrome; Hereditary Cancer Syndrome. Identifiers: Orphanet 140162, MedGen C0027672, MeSH D009386, MONDO:0015356.

Submission:

Ambry Genetics
Classification: Uncertain significance for Hereditary cancer-predisposing syndrome. Last evaluated: 2026-08-27. Review status: criteria provided, single submitter. Criteria: Ambry Variant Classification Scheme 2023. Collection method: clinical testing. Allele origin: germline.
Comment: The p.C1721R variant (also known as c.5161T>C), located in coding exon 38 of the POLE gene, results from a T to C substitution at nucleotide position 5161. The cysteine at codon 1721 is replaced by arginine, an amino acid with highly dissimilar properties. This amino acid position is conserved. In addition, the in silico prediction for this alteration is inconclusive. Based on the available evidence, the clinical significance of this variant remains unclear.